The following is an entry in ClinVar:

NM_001408.3(CELSR2):c.6159G>A (p.Gln2053=)

Gene: CELSR2 (cadherin EGF LAG seven-pass G-type receptor 2; plus strand). Cytogenetic location: 1p13.3.
Variant type: single nucleotide variant.
Coding change: c.6159G>A on transcript NM_001408.3 (MANE Select); coding-DNA position 6159, G replaced by A.
Protein change: p.Gln2053=; no amino-acid change (glutamine 2053 retained).
Molecular consequence: synonymous variant.
Genome position (GRCh38, 1-based): chr1:109,267,901, G>A. VCF-style: chr1-109267901-G-A. GRCh37 (hg19) VCF-style: chr1-109810523-G-A.
Identifiers: ClinVar variation 3035940 (VCV003035940.2), dbSNP rs1165128428, ClinGen allele CA419358739.

ClinVar aggregate classification (germline): Likely benign (0 of 4 stars; one submission).

Conditions:
CELSR2-related disorder. Also called: CELSR2-related condition.

Allele frequency attached by ClinVar (database versions not stated): gnomAD 0.00001; gnomAD exomes 0.00003.
gnomAD v4.1: 50 of 1,610,238 alleles (0.0031%); highest among the groups gnomAD compares: Non-Finnish European, 0.004%; no homozygotes.

Submission:

PreventionGenetics, part of Exact Sciences
Classification: Likely benign for CELSR2-related condition. Last evaluated: 2020-07-23. Review status: no assertion criteria provided. Collection method: clinical testing. Allele origin: germline.
Comment: This variant is classified as likely benign based on ACMG/AMP sequence variant interpretation guidelines (Richards et al. 2015 PMID: 25741868, with internal and published modifications).